The following is an entry in ClinVar:

NM_001009944.3(PKD1):c.2777_2789del (p.Val926fs)

Gene: PKD1 (polycystin 1, transient receptor potential channel interacting; minus strand). Cytogenetic location: 16p13.3.
Variant type: Deletion.
Coding change: c.2777_2789del on transcript NM_001009944.3 (MANE Select); coding-DNA positions 2777 to 2789, 13 bases deleted (TGACGGCGGAGGA).
Protein change: p.Val926fs; shifts the reading frame from valine 926.
Molecular consequence: frameshift variant.
Genome position (GRCh38, 1-based): chr16:2,114,234-2,114,246, TCCTCCGCCGTCA deleted on the plus strand (TGACGGCGGAGGA on the coding strand, the reverse complement: PKD1 is on the minus strand). VCF-style (leftmost placement, unchanged base first): chr16-2114233-CTCCTCCGCCGTCA-C. GRCh37 (hg19) VCF-style: chr16-2164234-CTCCTCCGCCGTCA-C.
Other names: c.2777_2789del, p.Val926fs (NM_000296.4); short protein forms V926fs.
Identifiers: ClinVar variation 997341 (VCV000997341.1), dbSNP rs2092590647, ClinGen allele CA2202049584.
Genomic context (GRCh38, chr16:2,114,233, plus strand): 5'-TAGGACTCCCTGCAGTACACGGGCCTCGGGGCTGGGCGTGGCGCGGAGGCCACAGATGGG[CTCCTCCGCCGTCA>C]CCCGCAGGCTGAGGTTGGCCCGGCTGGCGCTGTTTTCCACCACCACGTCCACCACGTGCT-3'

ClinVar aggregate classification (germline): Pathogenic (0 of 4 stars; one submission).

Conditions:
Polycystic kidney disease. Also called: Polycystic kidney dysplasia; Kidney, Polycystic. Identifiers: MedGen C0022680, MeSH D007690, MONDO:0020642, HP:0000113.

Submission:

Department of Pathology and Laboratory Medicine, Sinai Health System
Classification: Pathogenic for Polycystic Kidney disease. Review status: no assertion criteria provided. Collection method: clinical testing. Allele origin: unknown. Affected: yes. Study: The Canadian Open Genetics Repository (COGR).
Comment: The PKD1 p.Val926Glyfs*21 variant was not identified in the literature nor was it identified in the following databases: dbSNP, ClinVar, LOVD 3.0, ADPKD Mutation Database, PKD1-LOVD, the Exome Aggregation Consortium (August 8th 2016) or the Genome Aggregation Database (Feb 27, 2017). The c.2777_2789del variant is predicted to cause a frameshift, which alters the protein amino acid sequence beginning at codon 926 and leads to a premature stop codon at position 946. This alteration is then predicted to result in a truncated or absent protein and loss of function. Loss of function variants of the PKD1 gene are an established mechanism of disease in autosomal dominant polycystic kidney disease and is the type of variant expected to cause the disorder. In summary, based on the above information, this variant meets our laboratoryâ€šÃ„Ã´s criteria to be classified as pathogenic.